The following is an entry in ClinVar:

ClinVar aggregate classification (germline): Uncertain significance (1 of 4 stars; one submission).

Submission:

Ambry Genetics
Classification: Uncertain significance. Last evaluated: 2025-07-31. Review status: criteria provided, single submitter. Criteria: Ambry Variant Classification Scheme 2023. Collection method: clinical testing. Allele origin: germline.
Comment: The c.20C>T (p.S7F) alteration is located in exon (coding exon ) of the KRTAP5-4 gene. This alteration results from a C to T substitution at nucleotide position 20, causing the serine (S) at amino acid position 7 to be replaced by a phenylalanine (F). Based on insufficient or conflicting evidence, the clinical significance of this alteration remains unclear.

NM_001347674.1(KRTAP5-4):c.20C>T (p.Ser7Phe)

Gene: KRTAP5-4 (keratin associated protein 5-4; minus strand). Cytogenetic location: 11p15.5.
Variant type: single nucleotide variant.
Coding change: c.20C>T on transcript NM_001347674.1 (MANE Select); coding-DNA position 20, C replaced by T.
Protein change: p.Ser7Phe; replaces serine 7 with phenylalanine.
Molecular consequence: missense variant.
Genome position (GRCh38, 1-based): chr11:1,622,074, G>A on the plus strand (C>T on the coding strand, the complement: KRTAP5-4 is on the minus strand). VCF-style: chr11-1622074-G-A. GRCh37 (hg19) VCF-style: chr11-1643304-G-A.
Other names: c.20C>T (NM_001012709.1); short protein forms S7F.
Identifiers: ClinVar variation 4095734 (VCV004095734.1).